The following is an entry in ClinVar:

ClinVar aggregate classification (germline): Conflicting classifications of pathogenicity. Review status: criteria provided, conflicting classifications (1 of 4 stars). 3 submissions from 3 submitters: Uncertain significance (1); Benign (1). 1 of the submissions does not count toward it. Last evaluated 2025-12-26.

Conditions:
Retinal dystrophy. Also called: Inherited retinal dystrophy. Identifiers: Orphanet 71862, MedGen C0854723, MeSH D058499, MONDO:0019118, HP:0000556.

Allele frequency attached by ClinVar (database versions not stated): gnomAD exomes 0.00011; ExAC 0.00021; 1000 Genomes Project 30x 0.00047; TOPMed 0.00049; 1000 Genomes Project 0.00060; ESP Exome Variant Server 0.00064.
gnomAD v4.1: 169 of 1,598,894 alleles (0.011%); highest among the groups gnomAD compares: African/African-American, 0.16%; no homozygotes.

Submissions (3):

Labcorp Genetics (formerly Invitae), Labcorp
Classification: Uncertain significance. Last evaluated: 2025-12-26. Review status: criteria provided, single submitter. Criteria: Invitae Variant Classification Sherloc (09022015). Collection method: clinical testing. Allele origin: germline.
Comment: This sequence change replaces alanine, which is neutral and non-polar, with threonine, which is neutral and polar, at codon 235 of the FSCN2 protein (p.Ala235Thr). The frequency data for this variant in the population databases is considered unreliable, as metrics indicate poor data quality at this position in the gnomAD database. This variant has not been reported in the literature in individuals affected with FSCN2-related conditions. ClinVar contains an entry for this variant (Variation ID: 933791). An algorithm developed to predict the effect of missense changes on protein structure and function outputs the following: PolyPhen-2: "Benign". The threonine amino acid residue is found in multiple mammalian species, which suggests that this missense change does not adversely affect protein function. In summary, the available evidence is currently insufficient to determine the role of this variant in disease. Therefore, it has been classified as a Variant of Uncertain Significance.

Dept Of Ophthalmology, Nagoya University
Classification: Benign for Retinal dystrophy. Last evaluated: 2023-10-01. Review status: criteria provided, single submitter. Criteria: Submitter's publication. Collection method: research. Allele origin: germline. Affected: yes.

Department of Pathology and Laboratory Medicine, Sinai Health System
Classification: Uncertain significance. Review status: no assertion criteria provided. Collection method: clinical testing. Allele origin: unknown. Affected: yes. Study: The Canadian Open Genetics Repository (COGR). Not counted in ClinVar's aggregate classification.
Comment: The FSCN2 p.Ala235Thr variant was not identified in the literature nor was it identified in ClinVar. The variant was identified in dbSNP (ID: rs199541595) and LOVD 3.0. The variant was identified in control databases in 37 of 259852 chromosomes at a frequency of 0.0001424 (Genome Aggregation Database March 6, 2019, v2.1.1). The variant was observed in the following populations: African in 32 of 21396 chromosomes (freq: 0.001496), South Asian in 4 of 28332 chromosomes (freq: 0.000141) and European (non-Finnish) in 1 of 118068 chromosomes (freq: 0.000008), but was not observed in the Latino, Ashkenazi Jewish, East Asian, European (Finnish), or Other populations. The p.Ala235 residue is not conserved in mammals and computational analyses (PolyPhen-2, SIFT, AlignGVGD, BLOSUM, MutationTaster) do not suggest a high likelihood of impact to the protein; however, this information is not predictive enough to rule out pathogenicity. The variant occurs outside of the splicing consensus sequence and in silico or computational prediction software programs (SpliceSiteFinder, MaxEntScan, NNSPLICE, GeneSplicer) do not predict a difference in splicing. In summary, based on the above information the clinical significance of this variant cannot be determined with certainty at this time. This variant is classified as a variant of uncertain significance.

NM_012418.4(FSCN2):c.703G>A (p.Ala235Thr)

Gene: FSCN2 (fascin actin-bundling protein 2, retinal; plus strand). Cytogenetic location: 17q25.3.
Variant type: single nucleotide variant.
Coding change: c.703G>A on transcript NM_012418.4 (MANE Select); coding-DNA position 703, G replaced by A.
Protein change: p.Ala235Thr; replaces alanine 235 with threonine.
Molecular consequence: missense variant.
Genome position (GRCh38, 1-based): chr17:81,529,234, G>A. VCF-style: chr17-81529234-G-A. GRCh37 (hg19) VCF-style: chr17-79496260-G-A.
Other names: c.703G>A, p.Ala235Thr (NM_001077182.3); short protein forms A235T.
Identifiers: ClinVar variation 933791 (VCV000933791.9), dbSNP rs199541595, ClinGen allele CA8836756.
Genomic context (GRCh38, chr17:81,529,234, plus strand): 5'-AAGGCGGGCAAGCTGGCCTTCAAGGACTGCGACGGCCACTACCTGGCACCCGTGGGGCCC[G>A]CAGGCACCCTCAAGGCCGGCCGAAACACGCGACCTGGCAAGGATGAGCTCTTTGATCTGG-3'
Protein context (NP_036550.1, residues 225-245): DGHYLAPVGP[Ala235Thr]GTLKAGRNTR